The following is an entry in ClinVar:

ClinVar aggregate classification (germline): Uncertain significance (1 of 4 stars; one submission).

Conditions:
Dyskeratosis congenita, autosomal dominant 6 (DKCA6). Identifiers: Orphanet 3322, MedGen C4225284, MONDO:0014690, OMIM 616553.

Allele frequency attached by ClinVar (database versions not stated): gnomAD exomes 0.00001 and 0.00003; ExAC 0.00007; gnomAD 0.00011 and 0.00014; TOPMed 0.00015; ESP Exome Variant Server 0.00031.
gnomAD v4.1: 40 of 1,614,060 alleles (0.0025%); highest among the groups gnomAD compares: African/African-American, 0.047%; no homozygotes.

Submission:

Labcorp Genetics (formerly Invitae), Labcorp
Classification: Uncertain significance for Dyskeratosis congenita, autosomal dominant 6. Last evaluated: 2025-07-30. Review status: criteria provided, single submitter. Criteria: Invitae Variant Classification Sherloc (09022015). Collection method: clinical testing. Allele origin: germline.
Comment: This sequence change replaces phenylalanine, which is neutral and non-polar, with serine, which is neutral and polar, at codon 531 of the ACD protein (p.Phe531Ser). This variant is present in population databases (rs150078051, gnomAD 0.05%). This variant has not been reported in the literature in individuals affected with ACD-related conditions. ClinVar contains an entry for this variant (Variation ID: 946723). Invitae Evidence Modeling of protein sequence and biophysical properties (such as structural, functional, and spatial information, amino acid conservation, physicochemical variation, residue mobility, and thermodynamic stability) indicates that this missense variant is expected to disrupt ACD protein function with a positive predictive value of 80%. In summary, the available evidence is currently insufficient to determine the role of this variant in disease. Therefore, it has been classified as a Variant of Uncertain Significance.

NM_001082486.2(ACD):c.1334T>C (p.Phe445Ser)

Gene: ACD (ACD shelterin complex subunit and telomerase recruitment factor; minus strand). Cytogenetic location: 16q22.1.
Variant type: single nucleotide variant.
Coding change: c.1334T>C on transcript NM_001082486.2 (MANE Select); coding-DNA position 1334, T replaced by C.
Protein change: p.Phe445Ser; replaces phenylalanine 445 with serine.
Molecular consequence: missense variant.
Genome position (GRCh38, 1-based): chr16:67,657,649, A>G on the plus strand (T>C on the coding strand, the complement: ACD is on the minus strand). VCF-style: chr16-67657649-A-G. GRCh37 (hg19) VCF-style: chr16-67691552-A-G.
Other names: c.1325T>C, p.Phe442Ser (NM_022914.3); short protein forms F442S, F445S.
Identifiers: ClinVar variation 946723 (VCV000946723.9), dbSNP rs150078051, ClinGen allele CA8114362.